The following is an entry in ClinVar:

NM_015466.4(PTPN23):c.745dup (p.Ala249fs)

Gene: PTPN23 (protein tyrosine phosphatase non-receptor type 23; plus strand). Cytogenetic location: 3p21.31.
Variant type: Duplication.
Coding change: c.745dup on transcript NM_015466.4 (MANE Select); coding-DNA position 745, one base duplicated (G; older notation c.745dupG).
Protein change: p.Ala249fs; shifts the reading frame from alanine 249.
Molecular consequence: frameshift variant.
Genome position (GRCh38, 1-based): chr3:47,406,598, G duplicated. VCF-style (leftmost placement, unchanged base first): chr3-47406597-C-CG. GRCh37 (hg19) VCF-style: chr3-47448087-C-CG.
Other names: c.367dup, p.Ala123fs (NM_001304482.2); short protein forms A123fs, A249fs.
Identifiers: ClinVar variation 3642420 (VCV003642420.2).

ClinVar aggregate classification (germline): Pathogenic (1 of 4 stars; one submission).

Submission:

Labcorp Genetics (formerly Invitae), Labcorp
Classification: Pathogenic. Last evaluated: 2024-02-29. Review status: criteria provided, single submitter. Criteria: Invitae Variant Classification Sherloc (09022015). Collection method: clinical testing. Allele origin: germline.
Comment: This sequence change creates a premature translational stop signal (p.Ala249Glyfs*34) in the PTPN23 gene. It is expected to result in an absent or disrupted protein product. Loss-of-function variants in PTPN23 are known to be pathogenic (PMID: 29090338, 29899372). This variant is not present in population databases (gnomAD no frequency). This variant has not been reported in the literature in individuals affected with PTPN23-related conditions. For these reasons, this variant has been classified as Pathogenic.

Literature cited by the submitters: PubMed 29090338; PubMed 29899372.